The following is an entry in ClinVar:

ClinVar aggregate classification (germline): Benign/Likely benign. Review status: criteria provided, multiple submitters, no conflicts (2 of 4 stars). 3 submissions from 3 submitters: Benign (1); Likely benign (2). Last evaluated 2026-04-07.

Conditions:
Osteogenesis imperfecta type I (OI1). Also called: Lobstein disease; Lobstein's Disease; Classic Non-deforming Osteogenesis Imperfecta with Blue Sclerae; OI, TYPE I; OSTEOGENESIS IMPERFECTA TARDA; OSTEOGENESIS IMPERFECTA WITH BLUE SCLERAE. Identifiers: Orphanet 216796, Orphanet 666, MedGen C0023931, MONDO:0008146, OMIM 166200. Disease mechanism: loss of function.

Allele frequency attached by ClinVar (database versions not stated): gnomAD exomes 0.00003 and 0.00006; ExAC 0.00004; gnomAD 0.00010 and 0.00013; TOPMed 0.00013.
gnomAD v4.1: 61 of 1,565,610 alleles (0.0039%); highest among the groups gnomAD compares: African/African-American, 0.031%; no homozygotes.

Submissions (3):

Women's Health and Genetics/Laboratory Corporation of America, LabCorp
Classification: Benign. Last evaluated: 2026-04-07. Review status: criteria provided, single submitter. Criteria: LabCorp Variant Classification Summary - May 2015. Collection method: clinical testing. Allele origin: germline.

Labcorp Genetics (formerly Invitae), Labcorp
Classification: Likely benign for Osteogenesis imperfecta type I. Last evaluated: 2025-11-15. Review status: criteria provided, single submitter. Criteria: Invitae Variant Classification Sherloc (09022015). Collection method: clinical testing. Allele origin: germline.

GeneDx
Classification: Likely benign. Last evaluated: 2018-03-13. Review status: criteria provided, single submitter. Criteria: GeneDx Variant Classification (06012015). Collection method: clinical testing. Allele origin: germline. Affected: yes.
Comment: This variant is considered likely benign or benign based on one or more of the following criteria: it is a conservative change, it occurs at a poorly conserved position in the protein, it is predicted to be benign by multiple in silico algorithms, and/or has population frequency not consistent with disease.

NM_000088.4(COL1A1):c.2127+12G>A

Gene: COL1A1 (collagen type I alpha 1 chain; minus strand). Cytogenetic location: 17q21.33.
Variant type: single nucleotide variant.
Coding change: c.2127+12G>A on transcript NM_000088.4 (MANE Select); 12 bases into the intron after coding-DNA position 2127, G replaced by A.
Molecular consequence: intron variant.
Genome position (GRCh38, 1-based): chr17:50,191,776, C>T on the plus strand (G>A on the coding strand, the complement: COL1A1 is on the minus strand). VCF-style: chr17-50191776-C-T. GRCh37 (hg19) VCF-style: chr17-48269137-C-T.
Identifiers: ClinVar variation 516016 (VCV000516016.10), dbSNP rs778814970, ClinGen allele CA8644928.
Genomic context (GRCh38, chr17:50,191,776, plus strand): 5'-ATCCCCTGCTGCAGGAGGGGTGAGACCTGGTCCCTGGGCCACTTGCCAGAGCCCCTTCCA[C>T]GCTGCCCTCACCTTAGCACCATCGTTGCCGGGAGCACCGTTGGCCCCTCGGGGACCAGCA-3'